The following is an entry in ClinVar:

NM_000138.5(FBN1):c.2294-3C>A

Gene: FBN1 (fibrillin 1; minus strand). Cytogenetic location: 15q21.1.
Variant type: single nucleotide variant.
Coding change: c.2294-3C>A on transcript NM_000138.5 (MANE Select); 3 bases into the intron before coding-DNA position 2294, C replaced by A.
Molecular consequence: intron variant.
Genome position (GRCh38, 1-based): chr15:48,496,228, G>T on the plus strand (C>A on the coding strand, the complement: FBN1 is on the minus strand). VCF-style: chr15-48496228-G-T. GRCh37 (hg19) VCF-style: chr15-48788425-G-T.
Other names: c.2294-3C>A (NM_001406716.1).
Identifiers: ClinVar variation 2934403 (VCV002934403.3), dbSNP rs2043607673, ClinGen allele CA2740096661.

ClinVar aggregate classification (germline): Uncertain significance (1 of 4 stars; one submission).

Conditions:
Marfan syndrome (MFS). Also called: MARFAN SYNDROME, TYPE I; Marfan syndrome type 1; Marfan's syndrome; Marfan syndrome, classic; FBN1-Related Marfan Syndrome. Identifiers: Orphanet 284963, Orphanet 558, MedGen C0024796, MONDO:0007947, OMIM 154700.
Familial thoracic aortic aneurysm and aortic dissection (TAAD). Also called: Thoracic aortic aneurysms and dissections. Identifiers: Orphanet 91387, MedGen C4707243, MONDO:0019625.

Submission:

Labcorp Genetics (formerly Invitae), Labcorp
Classification: Uncertain significance for Marfan syndrome; Familial thoracic aortic aneurysm and aortic dissection. Last evaluated: 2023-03-13. Review status: criteria provided, single submitter. Criteria: Invitae Variant Classification Sherloc (09022015). Collection method: clinical testing. Allele origin: germline.
Comment: This sequence change falls in intron 19 of the FBN1 gene. It does not directly change the encoded amino acid sequence of the FBN1 protein. It affects a nucleotide within the consensus splice site. In summary, the available evidence is currently insufficient to determine the role of this variant in disease. Therefore, it has been classified as a Variant of Uncertain Significance. Variants that disrupt the consensus splice site are a relatively common cause of aberrant splicing (PMID: 17576681, 9536098). Algorithms developed to predict the effect of sequence changes on RNA splicing suggest that this variant may create or strengthen a splice site. This variant has been observed in individual(s) with clinical features of FBN1-related conditions (Invitae). This variant is not present in population databases (gnomAD no frequency).

Literature cited by the submitters: PubMed 17576681; PubMed 9536098.